The following is an entry in ClinVar:

ClinVar aggregate classification (germline): Uncertain significance (1 of 4 stars; one submission).

Allele frequency attached by ClinVar (database versions not stated): gnomAD 0.00001; TOPMed 0.00002; ExAC 0.00009; 1000 Genomes Project 30x 0.00016.
gnomAD v4.1: 97 of 1,614,186 alleles (0.006%); highest among the groups gnomAD compares: Middle Eastern, 0.049%; no homozygotes.

Submission:

Ambry Genetics
Classification: Uncertain significance. Last evaluated: 2025-12-24. Review status: criteria provided, single submitter. Criteria: Ambry Variant Classification Scheme 2023. Collection method: clinical testing. Allele origin: germline.
Comment: The c.2624G>A (p.R875Q) alteration is located in exon 13 (coding exon 13) of the TBC1D2 gene. This alteration results from a G to A substitution at nucleotide position 2624, causing the arginine (R) at amino acid position 875 to be replaced by a glutamine (Q). Based on data from gnomAD, the A allele has an overall frequency of 0.007% (18/250426) total alleles studied. The highest observed frequency was 0.016% (3/18376) of East Asian alleles. Based on insufficient or conflicting evidence, the clinical significance of this alteration remains unclear.

NM_001267571.2(TBC1D2):c.2657G>A (p.Arg886Gln)

Gene: TBC1D2 (TBC1 domain family member 2; minus strand). Cytogenetic location: 9q22.33.
Variant type: single nucleotide variant.
Coding change: c.2657G>A on transcript NM_001267571.2 (MANE Select); coding-DNA position 2657, G replaced by A.
Protein change: p.Arg886Gln; replaces arginine 886 with glutamine.
Molecular consequence: missense variant. On other transcripts: non-coding transcript variant (1).
Genome position (GRCh38, 1-based): chr9:98,199,511, C>T on the plus strand (G>A on the coding strand, the complement: TBC1D2 is on the minus strand). VCF-style: chr9-98199511-C-T. GRCh37 (hg19) VCF-style: chr9-100961793-C-T.
Other names: c.2624G>A, p.Arg875Gln (NM_018421.4); c.1277G>A, p.Arg426Gln (NM_001267572.1); c.*70G>A (NM_001410988.1); short protein forms R426Q, R875Q, R886Q.
Identifiers: ClinVar variation 2375790 (VCV002375790.3), dbSNP rs1053262647, ClinGen allele CA5151503.